The following is an entry in ClinVar:

NM_004360.5(CDH1):c.2085T>C (p.Cys695=)

Gene: CDH1 (cadherin 1; plus strand). Cytogenetic location: 16q22.1.
Variant type: single nucleotide variant.
Coding change: c.2085T>C on transcript NM_004360.5 (MANE Select); coding-DNA position 2085, T replaced by C.
Protein change: p.Cys695=; no amino-acid change (cysteine 695 retained).
Molecular consequence: synonymous variant.
Genome position (GRCh38, 1-based): chr16:68,823,547, T>C. VCF-style: chr16-68823547-T-C. GRCh37 (hg19) VCF-style: chr16-68857450-T-C.
Other names: c.1902T>C, p.Cys634= (NM_001317184.2); c.537T>C, p.Cys179= (NM_001317185.2); c.120T>C, p.Cys40= (NM_001317186.2).
Identifiers: ClinVar variation 820685 (VCV000820685.5), dbSNP rs1596965954, ClinGen allele CA496393228.

ClinVar aggregate classification (germline): Benign/Likely benign. Review status: criteria provided, multiple submitters, no conflicts (2 of 4 stars). 2 submissions from 2 submitters: Benign (1); Likely benign (1). Last evaluated 2024-09-20.

Conditions:
Hereditary cancer-predisposing syndrome. Also called: Hereditary Cancer Syndrome; Neoplastic Syndromes, Hereditary; Hereditary neoplastic syndrome; Tumor predisposition. Identifiers: Orphanet 140162, MedGen C0027672, MeSH D009386, MONDO:0015356.
Hereditary diffuse gastric adenocarcinoma (HDGC). Also called: DIFFUSE GASTRIC AND LOBULAR BREAST CANCER SYNDROME. Identifiers: Orphanet 26106, MedGen C1708349, MONDO:0007648, OMIM 137215.

Submissions (2):

Myriad Genetics, Inc.
Classification: Benign for Hereditary diffuse gastric adenocarcinoma. Last evaluated: 2024-09-20. Review status: criteria provided, single submitter. Criteria: Myriad Autosomal Dominant, Autosomal Recessive and X-Linked Classification Criteria (2023). Collection method: clinical testing. Allele origin: unknown.
Comment: This variant is considered benign. This variant is a silent/synonymous amino acid change and it is not expected to impact splicing.

Ambry Genetics
Classification: Likely benign for Hereditary cancer-predisposing syndrome. Last evaluated: 2018-06-21. Review status: criteria provided, single submitter. Criteria: Ambry Variant Classification Scheme 2023. Collection method: clinical testing. Allele origin: germline.